The following is an entry in ClinVar:

ClinVar aggregate classification (germline): Uncertain significance (1 of 4 stars; one submission).

Submission:

GeneDx
Classification: Uncertain significance. Last evaluated: 2024-12-18. Review status: criteria provided, single submitter. Criteria: GeneDx Variant Classification Process June 2021. Collection method: clinical testing. Allele origin: germline. Affected: yes.
Comment: Not observed at significant frequency in large population cohorts (gnomAD); In silico analysis indicates that this missense variant does not alter protein structure/function; Has not been previously published as pathogenic or benign to our knowledge

NM_001375524.1(TRRAP):c.8999T>C (p.Met3000Thr)

Gene: TRRAP (transformation/transcription domain associated protein; plus strand). Cytogenetic location: 7q22.1.
Variant type: single nucleotide variant.
Coding change: c.8999T>C on transcript NM_001375524.1 (MANE Select); coding-DNA position 8999, T replaced by C.
Protein change: p.Met3000Thr; replaces methionine 3000 with threonine.
Molecular consequence: missense variant.
Genome position (GRCh38, 1-based): chr7:98,983,436, T>C. VCF-style: chr7-98983436-T-C. GRCh37 (hg19) VCF-style: chr7-98581059-T-C.
Other names: c.8978T>C, p.Met2993Thr (NM_001244580.2); c.8924T>C, p.Met2975Thr (NM_003496.4); short protein forms M2975T, M2993T, M3000T.
Identifiers: ClinVar variation 3906824 (VCV003906824.1).